The following is an entry in ClinVar:

ClinVar aggregate classification (germline): Uncertain significance (1 of 4 stars; one submission).

Submission:

Labcorp Genetics (formerly Invitae), Labcorp
Classification: Uncertain significance. Last evaluated: 2022-03-19. Review status: criteria provided, single submitter. Criteria: Invitae Variant Classification Sherloc (09022015). Collection method: clinical testing. Allele origin: germline.
Comment: This variant has not been reported in the literature in individuals affected with PDSS1-related conditions. This sequence change creates a premature translational stop signal (p.Gln43Profs*26) in the PDSS1 gene. It is expected to result in an absent or disrupted protein product. However, the current clinical and genetic evidence is not sufficient to establish whether loss-of-function variants in PDSS1 cause disease. This variant is not present in population databases (gnomAD no frequency). In summary, the available evidence is currently insufficient to determine the role of this variant in disease. Therefore, it has been classified as a Variant of Uncertain Significance.

NM_014317.5(PDSS1):c.108_127dup (p.Gln43fs)

Gene: PDSS1 (decaprenyl diphosphate synthase subunit 1; plus strand). Cytogenetic location: 10p12.1.
Variant type: Duplication.
Coding change: c.108_127dup on transcript NM_014317.5 (MANE Select); coding-DNA positions 108 to 127, 20 bases duplicated (CGCTGCCGAAGTCCGCGCGC).
Protein change: p.Gln43fs; shifts the reading frame from glutamine 43.
Molecular consequence: frameshift variant. On other transcripts: 5 prime UTR variant (1).
Genome position (GRCh38, 1-based): chr10:26,697,819-26,697,838, CGCTGCCGAAGTCCGCGCGC duplicated; duplicating any 20 consecutive bases within chr10:26,697,815-26,697,838 gives the same sequence; the c. name uses the placement nearest the transcript's 3' end. VCF-style (leftmost placement, unchanged base first): chr10-26697814-A-AGCGCCGCTGCCGAAGTCCGC. GRCh37 (hg19) VCF-style: chr10-26986743-A-AGCGCCGCTGCCGAAGTCCGC.
Other names: c.108_127dup, p.Gln43fs (NM_001321978.2); c.-486_-467dup (NM_001321979.2); short protein forms Q43fs.
Identifiers: ClinVar variation 2111945 (VCV002111945.4), dbSNP rs2491495735, ClinGen allele CA2580081413.
Genomic context (GRCh38, chr10:26,697,814, plus strand): 5'-AAGCCGGCGGCGCGGAGCCCCGGGCCCGGCTCCCCCGGCCGTGCGGGACCGTTGGGGCCG[A>AGCGCCGCTGCCGAAGTCCGC]GCGCCGCTGCCGAAGTCCGCGCGCAGGTGAGGTTGGGAGGCGCGCGCCCGGCGGGGCTCA-3'